The following is an entry in ClinVar:

ClinVar aggregate classification (germline): Uncertain significance. Review status: criteria provided, multiple submitters, no conflicts (2 of 4 stars). 2 submissions from 2 submitters: Uncertain significance (2). Last evaluated 2024-07-02.

Allele frequency attached by ClinVar (database versions not stated): TOPMed below 0.00001; gnomAD exomes 0.00001 and 0.00004; ExAC 0.00007.

Submissions (2):

Ambry Genetics
Classification: Uncertain significance. Last evaluated: 2024-07-02. Review status: criteria provided, single submitter. Criteria: Ambry Variant Classification Scheme 2023. Collection method: clinical testing. Allele origin: germline.

Labcorp Genetics (formerly Invitae), Labcorp
Classification: Uncertain significance. Last evaluated: 2024-02-24. Review status: criteria provided, single submitter. Criteria: Invitae Variant Classification Sherloc (09022015). Collection method: clinical testing. Allele origin: germline.
Comment: This sequence change replaces leucine, which is neutral and non-polar, with proline, which is neutral and non-polar, at codon 605 of the DHX38 protein (p.Leu605Pro). This variant is present in population databases (rs760838646, gnomAD 0.04%). This variant has not been reported in the literature in individuals affected with DHX38-related conditions. ClinVar contains an entry for this variant (Variation ID: 999429). Advanced modeling of protein sequence and biophysical properties (such as structural, functional, and spatial information, amino acid conservation, physicochemical variation, residue mobility, and thermodynamic stability) performed at Invitae indicates that this missense variant is expected to disrupt DHX38 protein function with a positive predictive value of 80%. In summary, the available evidence is currently insufficient to determine the role of this variant in disease. Therefore, it has been classified as a Variant of Uncertain Significance.

NM_014003.4(DHX38):c.1814T>C (p.Leu605Pro)

Gene: DHX38 (DEAH-box helicase 38; plus strand). Cytogenetic location: 16q22.2.
Variant type: single nucleotide variant.
Coding change: c.1814T>C on transcript NM_014003.4 (MANE Select); coding-DNA position 1814, T replaced by C.
Protein change: p.Leu605Pro; replaces leucine 605 with proline.
Molecular consequence: missense variant.
Genome position (GRCh38, 1-based): chr16:72,103,778, T>C. VCF-style: chr16-72103778-T-C. GRCh37 (hg19) VCF-style: chr16-72137677-T-C.
Other names: c.1814T>C (NM_014003.3); short protein forms L605P.
Identifiers: ClinVar variation 999429 (VCV000999429.9), dbSNP rs760838646, ClinGen allele CA8160405.